The following is an entry in ClinVar:

NM_001876.4(CPT1A):c.186G>A (p.Trp62Ter)

Gene: CPT1A (carnitine palmitoyltransferase 1A; minus strand). Cytogenetic location: 11q13.3.
Variant type: single nucleotide variant.
Coding change: c.186G>A on transcript NM_001876.4 (MANE Select); coding-DNA position 186, G replaced by A.
Protein change: p.Trp62Ter; replaces tryptophan 62 with a stop codon.
Molecular consequence: nonsense.
Genome position (GRCh38, 1-based): chr11:68,812,532, C>T on the plus strand (G>A on the coding strand, the complement: CPT1A is on the minus strand). VCF-style: chr11-68812532-C-T. GRCh37 (hg19) VCF-style: chr11-68580000-C-T.
Other names: c.186G>A, p.Trp62Ter (NM_001031847.3); short protein forms W62*.
Identifiers: ClinVar variation 370369 (VCV000370369.4), dbSNP rs1057516434, ClinGen allele CA16041544.

ClinVar aggregate classification (germline): Likely pathogenic. Review status: criteria provided, single submitter (1 of 4 stars). 2 submissions from 2 submitters: Likely pathogenic (1). 1 of the submissions does not count toward it. Last evaluated 2024-07-24.

Conditions:
Carnitine palmitoyl transferase 1A deficiency. Also called: Carnitine palmitoyltransferase 1A deficiency; CPT deficiency, hepatic, type IA; CPT I DEFICIENCY; CPT DEFICIENCY, HEPATIC, TYPE I; Carnitine palmitoyltransferase type I deficiency. Identifiers: Orphanet 156, MedGen C1829703, MONDO:0009705, OMIM 255120.

Submissions (2):

Natera, Inc.
Classification: Likely pathogenic for Carnitine palmitoyltransferase type I deficiency. Last evaluated: 2024-07-24. Review status: criteria provided, single submitter. Criteria: Natera Variant Classification Schema (03/2026). Collection method: clinical testing. Allele origin: germline.
Comment: The c.186G>A variant in CPT1A is a nonsense variant predicted to introduce a stop codon at amino acid 62. This variant is expected to result in nonsense mediated decay, truncation, or a dysfunctional protein product. This variant is rare in the general population with a frequency below the threshold expected for the associated phenotype(s). Given the available evidence, this variant is classified as Likely Pathogenic.

Counsyl
Classification: Likely pathogenic for Carnitine palmitoyl transferase 1A deficiency. Last evaluated: 2016-01-27. Review status: no assertion criteria provided. Collection method: clinical testing. Allele origin: unknown. Not counted in ClinVar's aggregate classification.